The following is an entry in ClinVar:

NM_153676.4(USH1C):c.1453_1454del (p.Lys485fs)

Gene: USH1C (USH1 protein network component harmonin; minus strand). Cytogenetic location: 11p15.1.
Variant type: Deletion.
Coding change: c.1453_1454del on transcript NM_153676.4 (MANE Select); coding-DNA positions 1453 to 1454, 2 bases deleted (AA; older notation c.1453_1454delAA).
Protein change: p.Lys485fs; shifts the reading frame from lysine 485.
Molecular consequence: frameshift variant. On other transcripts: intron variant (11).
Genome position (GRCh38, 1-based): chr11:17,510,481-17,510,482, TT deleted on the plus strand (AA on the coding strand, the reverse complement: USH1C is on the minus strand); deleting any 2 consecutive bases within chr11:17,510,481-17,510,484 gives the same sequence; the c. name uses the placement nearest the transcript's 3' end. VCF-style (leftmost placement, unchanged base first): chr11-17510480-CTT-C. GRCh37 (hg19) VCF-style: chr11-17532027-CTT-C.
Other names: c.1470+1420_1470+1421del (NM_001440679.1); c.1227+6919_1227+6920del (NM_001297764.2); c.1210+10388_1210+10389del (NM_001440687.1); c.1413+1420_1413+1421del (NM_001440681.1); c.1284+6919_1284+6920del (NM_001440685.1, NM_005709.4, NM_001440682.1); c.1285-5785_1285-5784del (NM_001440683.1); c.1437+1420_1437+1421del (NM_001440680.1); c.1260+6919_1260+6920del (NM_001440686.1); and 1 more; short protein forms K485fs.
Identifiers: ClinVar variation 4852648 (VCV004852648.2).
Genomic context (GRCh38, chr11:17,510,480, plus strand): 5'-ATCAGCAGAGGAAATCTGCTCGAGGCGCGTTTGACAGAGCCTCTCCACCCAATATTGAAT[CTT>C]TTCCGATTCTTCAAGGTCTTCCCGCTCTGTCTCAGACACCTGGGACCCAGGATCGGCGCA-3'

ClinVar aggregate classification (germline): Likely pathogenic (1 of 4 stars; one submission).

Submission:

Dasa
Classification: Likely pathogenic. Last evaluated: 2025-09-01. Review status: criteria provided, single submitter. Criteria: DASA Assertion Criteria. Collection method: clinical testing. Allele origin: germline.
Comment: NM_153676.4(USH1C):c.1453_1454del (p.Lys485Aspfs*20) is a frameshift variant in USH1C predicted to alter the reading frame and introduce a premature termination codon and is predicted to result in an absent or altered protein product. Loss of function is an established disease mechanism for USH1C-associated disorders. Also, this variant is rare in population databases. Based on the currently available evidence, this variant is classified as likely pathogenic.